The following is an entry in ClinVar:

NM_000276.4(OCRL):c.741G>A (p.Trp247Ter)

Gene: OCRL (OCRL inositol polyphosphate-5-phosphatase; plus strand). Cytogenetic location: Xq26.1.
Variant type: single nucleotide variant.
Coding change: c.741G>A on transcript NM_000276.4 (MANE Select); coding-DNA position 741, G replaced by A.
Protein change: p.Trp247Ter; replaces tryptophan 247 with a stop codon.
Molecular consequence: nonsense.
Genome position (GRCh38, 1-based): chrX:129,560,568, G>A. VCF-style: chrX-129560568-G-A. GRCh37 (hg19) VCF-style: chrX-128694545-G-A.
Other names: c.744G>A, p.Trp248Ter (NM_001318784.2); c.741G>A, p.Trp247Ter (NM_001587.4); short protein forms W247*, W248*.
Identifiers: ClinVar variation 873459 (VCV000873459.1), dbSNP rs1936131926, ClinGen allele CA414551955.
Genomic context (GRCh38, chrX:129,560,568, plus strand): 5'-TTGATCTTTGTTTTCAAATTATCTTTTCGTATTATGTATTAGATTTTTTGTTGGAACTTG[G>A]AATGTGAATGGCCAGTCTCCAGATAGCGGGTTAGAACCTTGGCTGAACTGTGATCCCAAT-3'

ClinVar aggregate classification (germline): Likely pathogenic (1 of 4 stars; one submission).

Conditions:
Lowe syndrome (OCRL). Also called: PHOSPHATIDYLINOSITOL 4,5-BISPHOSPHATE 5-PHOSPHATASE DEFICIENCY; Oculocerebrorenal Syndrome; LOWE OCULOCEREBRORENAL SYNDROME. Identifiers: Orphanet 534, MedGen C0028860, MONDO:0010645, OMIM 309000.

Submission:

UNC Molecular Genetics  Laboratory, University of North Carolina at Chapel Hill
Classification: Likely pathogenic for Lowe syndrome. Review status: criteria provided, single submitter. Criteria: ACMG Guidelines, 2015. Collection method: research. Allele origin: germline. Affected: yes. Observed: 1 variant allele. Study: NSIGHT-NC NEXUS.
Comment: The OCRL c.741G>A (p.W247*) nonsense variant is predicted to result in nonsense-mediated decay and/or premature termination of the OCRL protein. This variant has not been described in the literature, however, other nonsense truncating variants downstream have been reported in individuals with Lowe syndrome (PMID: 21031565).

Literature cited by the submitters: PubMed 21031565; PubMed 20301653.